The following is an entry in ClinVar:

ClinVar aggregate classification (germline): Uncertain significance (1 of 4 stars; one submission).

Submission:

Labcorp Genetics (formerly Invitae), Labcorp
Classification: Uncertain significance. Last evaluated: 2023-08-04. Review status: criteria provided, single submitter. Criteria: Invitae Variant Classification Sherloc (09022015). Collection method: clinical testing. Allele origin: germline.
Comment: In summary, the available evidence is currently insufficient to determine the role of this variant in disease. Therefore, it has been classified as a Variant of Uncertain Significance. An algorithm developed to predict the effect of missense changes on protein structure and function (PolyPhen-2) suggests that this variant is likely to be tolerated. This variant has not been reported in the literature in individuals affected with CHD8-related conditions. This variant is not present in population databases (gnomAD no frequency). This sequence change replaces glutamic acid, which is acidic and polar, with alanine, which is neutral and non-polar, at codon 81 of the CHD8 protein (p.Glu81Ala).

NM_001170629.2(CHD8):c.242A>C (p.Glu81Ala)

Gene: CHD8 (chromodomain helicase DNA binding protein 8; minus strand). Cytogenetic location: 14q11.2.
Variant type: single nucleotide variant.
Coding change: c.242A>C on transcript NM_001170629.2 (MANE Select); coding-DNA position 242, A replaced by C.
Protein change: p.Glu81Ala; replaces glutamic acid 81 with alanine.
Molecular consequence: missense variant. On other transcripts: intron variant (1).
Genome position (GRCh38, 1-based): chr14:21,431,402, T>G on the plus strand (A>C on the coding strand, the complement: CHD8 is on the minus strand). VCF-style: chr14-21431402-T-G. GRCh37 (hg19) VCF-style: chr14-21899561-T-G.
Other names: c.6+409A>C (NM_020920.4); short protein forms E81A.
Identifiers: ClinVar variation 2704663 (VCV002704663.3), dbSNP rs1889559004, ClinGen allele CA388890067.